The following is an entry in ClinVar:

NM_001165963.4(SCN1A):c.922A>G (p.Thr308Ala)

Gene: SCN1A (sodium voltage-gated channel alpha subunit 1; minus strand). Cytogenetic location: 2q24.3.
Variant type: single nucleotide variant.
Coding change: c.922A>G on transcript NM_001165963.4 (MANE Select); coding-DNA position 922, A replaced by G.
Protein change: p.Thr308Ala; replaces threonine 308 with alanine.
Molecular consequence: missense variant. On other transcripts: 5 prime UTR variant (1), non-coding transcript variant (1).
Genome position (GRCh38, 1-based): chr2:166,051,761, T>C on the plus strand (A>G on the coding strand, the complement: SCN1A is on the minus strand). VCF-style: chr2-166051761-T-C. GRCh37 (hg19) VCF-style: chr2-166908271-T-C.
Other names: c.922A>G, p.Thr308Ala (NM_001165964.3, NM_001202435.3, NM_001353948.2 and 10 more transcripts); c.-1504A>G (NM_001353961.2); short protein forms T308A.
Identifiers: ClinVar variation 3340417 (VCV003340417.1).
Genomic context (GRCh38, chr2:166,051,761, plus strand): 5'-CATAACAATAATTCTTACTTGAATCTTGAATATATGACTTCCAGTCAAACTCAAAGACAG[T>C]TTCATTTATAAGTGTACCATTATAATTCACAGTTATATTCTTTTCTATACTATGTTCCTC-3'
Protein context (NP_001159435.1, residues 298-318): VNYNGTLINE[Thr308Ala]VFEFDWKSYI

ClinVar aggregate classification (germline): Uncertain significance (1 of 4 stars; one submission).

gnomAD v4.1: 1 of 1,609,136 alleles (0.000062%); highest among the groups gnomAD compares: Non-Finnish European, 0.000085%; no homozygotes.

Submission:

GeneDx
Classification: Uncertain significance. Last evaluated: 2024-03-13. Review status: criteria provided, single submitter. Criteria: GeneDx Variant Classification Process June 2021. Collection method: clinical testing. Allele origin: germline. Affected: yes.
Comment: Not observed at significant frequency in large population cohorts (gnomAD); In silico analysis supports that this missense variant does not alter protein structure/function; Has not been previously published as pathogenic or benign to our knowledge; This substitution is predicted to be within the extracellular loop between between the S5 and S6 transmembrane segments of the first homologous domain